The following is an entry in ClinVar:

NM_002381.5(MATN3):c.1043-6T>G

Genes: MATN3 (matrilin 3; minus strand), WDR35-DT (WDR35 divergent transcript; plus strand). Cytogenetic location: 2p24.1.
Variant type: single nucleotide variant.
Coding change: c.1043-6T>G on transcript NM_002381.5 (MANE Select); 6 bases into the intron before coding-DNA position 1043, T replaced by G.
Molecular consequence: intron variant.
Genome position (GRCh38, 1-based): chr2:20,000,572, A>C on the plus strand (T>G on the coding strand, the complement: MATN3 is on the minus strand). VCF-style: chr2-20000572-A-C. GRCh37 (hg19) VCF-style: chr2-20200333-A-C.
Identifiers: ClinVar variation 3639307 (VCV003639307.2).
Genomic context (GRCh38, chr2:20,000,572, plus strand): 5'-TCATTCACACAAATGTGCTGACACCCATGGGTACCCAAAGCACATTTATCTTGAGCTGTG[A>C]AACAAAAAGTCAGGAGAAAAGAAATAGAAGGTGGAAAAGTATTTTATTACCCAGGATAGA-3'

ClinVar aggregate classification (germline): Uncertain significance (1 of 4 stars; one submission).

Submission:

Labcorp Genetics (formerly Invitae), Labcorp
Classification: Uncertain significance. Last evaluated: 2024-03-14. Review status: criteria provided, single submitter. Criteria: Invitae Variant Classification Sherloc (09022015). Collection method: clinical testing. Allele origin: germline.
Comment: This sequence change falls in intron 4 of the MATN3 gene. It does not directly change the encoded amino acid sequence of the MATN3 protein. This variant is not present in population databases (gnomAD no frequency). This variant has not been reported in the literature in individuals affected with MATN3-related conditions. Algorithms developed to predict the effect of sequence changes on RNA splicing suggest that this variant may disrupt the consensus splice site. In summary, the available evidence is currently insufficient to determine the role of this variant in disease. Therefore, it has been classified as a Variant of Uncertain Significance.